The following is an entry in ClinVar:

ClinVar aggregate classification (germline): Benign (0 of 4 stars; one submission).

Conditions:
TOPBP1-related disorder. Also called: TOPBP1-related condition.

Allele frequency attached by ClinVar (database versions not stated): ExAC 0.08339; gnomAD exomes 0.08857; 1000 Genomes Project 0.09305; 1000 Genomes Project 30x 0.09557; gnomAD 0.10765; TOPMed 0.11011; ESP Exome Variant Server 0.11280.
gnomAD v4.1: 146,139 of 1,613,706 alleles (9.1%); highest among the groups gnomAD compares: African/African-American, 16%; 7,128 homozygotes.

Submission:

PreventionGenetics, part of Exact Sciences
Classification: Benign for TOPBP1-related condition. Last evaluated: 2019-10-21. Review status: no assertion criteria provided. Collection method: clinical testing. Allele origin: germline.
Comment: This variant is classified as benign based on ACMG/AMP sequence variant interpretation guidelines (Richards et al. 2015 PMID: 25741868, with internal and published modifications).

NM_007027.4(TOPBP1):c.4347A>G (p.Ser1449=)

Gene: TOPBP1 (DNA topoisomerase II binding protein 1; minus strand). Cytogenetic location: 3q22.1.
Variant type: single nucleotide variant.
Coding change: c.4347A>G on transcript NM_007027.4 (MANE Select); coding-DNA position 4347, A replaced by G.
Protein change: p.Ser1449=; no amino-acid change (serine 1449 retained).
Molecular consequence: synonymous variant.
Genome position (GRCh38, 1-based): chr3:133,608,613, T>C on the plus strand (A>G on the coding strand, the complement: TOPBP1 is on the minus strand). VCF-style: chr3-133608613-T-C. GRCh37 (hg19) VCF-style: chr3-133327457-T-C.
Other names: c.4332A>G, p.Ser1444= (NM_001363889.2).
Identifiers: ClinVar variation 3055863 (VCV003055863.2), dbSNP rs1051772, ClinGen allele CA2623787.